The following is an entry in ClinVar:

NM_006941.4(SOX10):c.644G>A (p.Arg215Gln)

Genes: POLR2F (RNA polymerase II, I and III subunit F; plus strand), SOX10 (SRY-box transcription factor 10; minus strand). Cytogenetic location: 22q13.1.
Variant type: single nucleotide variant.
Coding change: c.644G>A on transcript NM_006941.4 (MANE Select); coding-DNA position 644, G replaced by A.
Protein change: p.Arg215Gln; replaces arginine 215 with glutamine.
Molecular consequence: missense variant. On other transcripts: intron variant (3).
Genome position (GRCh38, 1-based): chr22:37,977,920, C>T on the plus strand (G>A on the coding strand, the complement: SOX10 is on the minus strand). VCF-style: chr22-37977920-C-T. GRCh37 (hg19) VCF-style: chr22-38373927-C-T.
Other names: c.*38+5610C>T (NM_001363825.1); c.294-8234C>T (NM_001301130.2); c.293+10750C>T (NM_001301131.2); short protein forms R215Q.
Identifiers: ClinVar variation 986733 (VCV000986733.9), dbSNP rs779933527, ClinGen allele CA10228637.

ClinVar aggregate classification (germline): Conflicting classifications of pathogenicity. Review status: criteria provided, conflicting classifications (1 of 4 stars). 3 submissions from 3 submitters: Uncertain significance (2); Likely benign (1). Last evaluated 2026-08-04.

Conditions:
SOX10-related disorder. Also called: SOX10-related condition.
PCWH syndrome. Also called: WAARDENBURG-SHAH SYNDROME, NEUROLOGIC VARIANT. Identifiers: Orphanet 163746, MedGen C1836727, MONDO:0012198, OMIM 609136.

Allele frequency attached by ClinVar (database versions not stated): gnomAD exomes 0.00007 and 0.00006; TOPMed 0.00002; ExAC 0.00008.
gnomAD v4.1: 85 of 1,613,020 alleles (0.0053%); highest among the groups gnomAD compares: South Asian, 0.033%; no homozygotes.

Submissions (3):

PreventionGenetics, part of Exact Sciences
Classification: Uncertain significance for SOX10-related condition. Last evaluated: 2026-08-04. Review status: criteria provided, single submitter. Criteria: ACMG Guidelines, 2015. Collection method: clinical testing. Allele origin: germline.
Comment: The SOX10 c.644G>A variant is predicted to result in the amino acid substitution p.Arg215Gln. To our knowledge, this variant has not been reported in the literature. This variant is reported in 0.042% of alleles in individuals of South Asian descent in gnomAD. At this time, the clinical significance of this variant is uncertain due to the absence of conclusive functional and genetic evidence.

Labcorp Genetics (formerly Invitae), Labcorp
Classification: Likely benign. Last evaluated: 2025-04-03. Review status: criteria provided, single submitter. Criteria: Invitae Variant Classification Sherloc (09022015). Collection method: clinical testing. Allele origin: germline.

Foundation for Research in Genetics and Endocrinology, FRIGE's Institute of Human Genetics
Classification: Uncertain significance for PCWH syndrome. Last evaluated: 2020-10-01. Review status: criteria provided, single submitter. Criteria: ACMG Guidelines, 2015. Collection method: clinical testing. Allele origin: germline. Inheritance: Autosomal dominant inheritance. Affected: yes. Observed: 1 heterozygote.
Comment: A heterozygous missense variation in exon 3 of the SOX10 gene that results in the amino acid substitution of Glutamine for Arginine at codon 215 was detected. The observed variant c.644G>A (p.Arg215Gln) has not been reported in the 1000 genomes and has a minor allele frequency of 0.007% in the gnomAD database. The in silico prediction of the variant is damaging by MutationTaster2. The reference codon is conserved across species. In summary, the variant meets our criteria to be classified as a variant of uncertain significance.